The following is an entry in ClinVar:

ClinVar aggregate classification (germline): Uncertain significance (1 of 4 stars; one submission).

Conditions:
EGFR-related lung cancer (EGFR). Identifiers: MedGen CN130014.

Submission:

Labcorp Genetics (formerly Invitae), Labcorp
Classification: Uncertain significance for EGFR-related lung cancer. Last evaluated: 2022-09-01. Review status: criteria provided, single submitter. Criteria: Invitae Variant Classification Sherloc (09022015). Collection method: clinical testing. Allele origin: germline.
Comment: In summary, the available evidence is currently insufficient to determine the role of this variant in disease. Therefore, it has been classified as a Variant of Uncertain Significance. Algorithms developed to predict the effect of missense changes on protein structure and function are either unavailable or do not agree on the potential impact of this missense change (SIFT: "Tolerated"; PolyPhen-2: "Probably Damaging"; Align-GVGD: "Class C0"). ClinVar contains an entry for this variant (Variation ID: 1390414). This variant has not been reported in the literature in individuals affected with EGFR-related conditions. This variant is not present in population databases (gnomAD no frequency). This sequence change replaces asparagine, which is neutral and polar, with serine, which is neutral and polar, at codon 355 of the EGFR protein (p.Asn355Ser).

NM_005228.5(EGFR):c.1064A>G (p.Asn355Ser)

Genes: EGFR (epidermal growth factor receptor; plus strand), LOC126860048 (P300/CBP strongly-dependent group 1 enhancer GRCh37_chr7:55223847-55225046; plus strand). Cytogenetic location: 7p11.2.
Variant type: single nucleotide variant.
Coding change: c.1064A>G on transcript NM_005228.5 (MANE Select); coding-DNA position 1064, A replaced by G.
Protein change: p.Asn355Ser; replaces asparagine 355 with serine.
Molecular consequence: missense variant.
Genome position (GRCh38, 1-based): chr7:55,156,590, A>G. VCF-style: chr7-55156590-A-G. GRCh37 (hg19) VCF-style: chr7-55224283-A-G.
Other names: c.929A>G, p.Asn310Ser (NM_001346897.2, NM_001346899.2); c.1064A>G, p.Asn355Ser (NM_001346898.2, NM_201282.2, NM_201283.2 and 1 more transcripts); c.905A>G, p.Asn302Ser (NM_001346900.2); c.263A>G, p.Asn88Ser (NM_001346941.2); short protein forms N355S, N302S, N88S, N310S.
Identifiers: ClinVar variation 1390414 (VCV001390414.6), dbSNP rs2128938287, ClinGen allele CA367578310.